The following is an entry in ClinVar:

NM_005898.5(CAPRIN1):c.826+16A>G

Gene: CAPRIN1 (cell cycle associated protein 1; plus strand). Cytogenetic location: 11p13.
Variant type: single nucleotide variant.
Coding change: c.826+16A>G on transcript NM_005898.5 (MANE Select); 16 bases into the intron after coding-DNA position 826, A replaced by G.
Molecular consequence: intron variant.
Genome position (GRCh38, 1-based): chr11:34,079,781, A>G. VCF-style: chr11-34079781-A-G. GRCh37 (hg19) VCF-style: chr11-34101328-A-G.
Other names: c.826+16A>G (NM_203364.3).
Identifiers: ClinVar variation 4855850 (VCV004855850.1).

ClinVar aggregate classification (germline): Uncertain significance (1 of 4 stars; one submission).

Conditions:
Neurodevelopmental disorder with language impairment, autism, and attention deficit-hyperactivity disorder. Identifiers: MedGen C5935603, MONDO:0968945, OMIM 620782.

Submission:

3billion
Classification: Uncertain significance for Neurodevelopmental disorder with language impairment, autism, and attention deficit-hyperactivity disorder. Last evaluated: 2025-12-08. Review status: criteria provided, single submitter. Criteria: ACMG Guidelines, 2015. Collection method: clinical testing. Allele origin: germline. Affected: yes.
Comment: The variant is not observed in the gnomAD v4.1.0 dataset. Predicted Consequence/Location: Intron variant In silico tools predict the variant to alter splicing and produce an abnormal transcript [SpliceAI: 0.93 (>=0.2, moderate evidence for spliceogenicity)]. Therefore, this variant is classified as VUS according to the recommendation of ACMG/AMP guideline.